The following is an entry in ClinVar:

NM_001384140.1(PCDH15):c.4202+3A>G

Gene: PCDH15 (protocadherin related 15; minus strand). Cytogenetic location: 10q21.1.
Variant type: single nucleotide variant.
Coding change: c.4202+3A>G on transcript NM_001384140.1 (MANE Select); 3 bases into the intron after coding-DNA position 4202, A replaced by G.
Molecular consequence: intron variant.
Genome position (GRCh38, 1-based): chr10:53,831,312, T>C on the plus strand (A>G on the coding strand, the complement: PCDH15 is on the minus strand). VCF-style: chr10-53831312-T-C. GRCh37 (hg19) VCF-style: chr10-55591072-T-C.
Other names: c.4202+3A>G (NM_001354420.2, NM_001354429.2, NM_001142772.2 and 4 more transcripts); c.4217+3A>G (NM_001142771.2, NM_001142763.2); c.4223+3A>G (NM_001354411.2); c.4238+3A>G (NM_001142769.3); c.4136+3A>G (NM_001354404.2, NM_001142773.2, NM_001142768.2); c.4091+3A>G (NM_001142767.2); c.3989+3A>G (NM_001142765.2).
Identifiers: ClinVar variation 934357 (VCV000934357.7), dbSNP rs1564563130, ClinGen allele CA376528156.

ClinVar aggregate classification (germline): Uncertain significance (1 of 4 stars; one submission).

Allele frequency attached by ClinVar (database versions not stated): gnomAD exomes below 0.00001; gnomAD 0.00001.
gnomAD v4.1: 2 of 1,613,778 alleles (0.00012%); highest among the groups gnomAD compares: African/African-American, 0.0013%; no homozygotes.

Submission:

Labcorp Genetics (formerly Invitae), Labcorp
Classification: Uncertain significance. Last evaluated: 2019-09-08. Review status: criteria provided, single submitter. Criteria: Invitae Variant Classification Sherloc (09022015). Collection method: clinical testing. Allele origin: germline.
Comment: In summary, the available evidence is currently insufficient to determine the role of this variant in disease. Therefore, it has been classified as a Variant of Uncertain Significance. Nucleotide substitutions within the consensus splice site are a relatively common cause of aberrant splicing (PMID: 17576681, 9536098). Algorithms developed to predict the effect of sequence changes on RNA splicing suggest that this variant is not likely to affect RNA splicing, but this prediction has not been confirmed by published transcriptional studies. This variant has not been reported in the literature in individuals with PCDH15-related conditions. This variant is not present in population databases (ExAC no frequency). This sequence change falls in intron 30 of the PCDH15 gene. It does not directly change the encoded amino acid sequence of the PCDH15 protein, but it affects a nucleotide within the consensus splice site of the intron.

Literature cited by the submitters: PubMed 17576681; PubMed 9536098.